The following is an entry in ClinVar:

ClinVar aggregate classification (germline): Benign/Likely benign. Review status: criteria provided, multiple submitters, no conflicts (2 of 4 stars). 10 submissions from 9 submitters: Benign (5); Likely benign (1). 4 of the submissions do not count toward it. Last evaluated 2026-02-03.

Conditions:
Cardiomyopathy (CMYO). Also called: Cardiomyopathies. Identifiers: Orphanet 167848, MedGen C0878544, MONDO:0004994, HP:0001638. Inheritance: Various modes of inheritance.
Hypertrophic cardiomyopathy 10. Also called: CARDIOMYOPATHY, HYPERTROPHIC, MID-LEFT VENTRICULAR CHAMBER TYPE, 2; MYL2-Related Familial Hypertrophic Cardiomyopathy. Identifiers: MedGen C1834460, MONDO:0012112, OMIM 608758.

Submissions (10):

Labcorp Genetics (formerly Invitae), Labcorp
Classification: Benign for Hypertrophic cardiomyopathy 10. Last evaluated: 2026-02-03. Review status: criteria provided, single submitter. Criteria: Invitae Variant Classification Sherloc (09022015). Collection method: clinical testing. Allele origin: germline.

ARUP Laboratories, Molecular Genetics and Genomics, ARUP Laboratories
Classification: Benign. Last evaluated: 2025-07-08. Review status: criteria provided, single submitter. Criteria: ARUP Molecular Germline Variant Investigation Process 2024. Collection method: clinical testing. Allele origin: germline.

Blueprint Genetics
Classification: Likely benign. Last evaluated: 2024-11-27. Review status: criteria provided, single submitter. Criteria: ACMG Guidelines, 2015. Collection method: clinical testing. Allele origin: germline.

Women's Health and Genetics/Laboratory Corporation of America, LabCorp
Classification: Benign. Last evaluated: 2020-01-06. Review status: criteria provided, single submitter. Criteria: LabCorp Variant Classification Summary - May 2015. Collection method: clinical testing. Allele origin: germline.
Comment: Variant summary: MYL2 c.274+16_274+17insCT alters a non-conserved nucleotide located close to a canonical splice site and therefore could affect mRNA splicing, leading to a significantly altered protein sequence. 5/5 computational tools predict no significant impact on normal splicing. However, these predictions have yet to be confirmed by functional studies. The variant allele was found at a frequency of 0.013 in 251448 control chromosomes in the gnomAD database, including 48 homozygotes. The observed variant frequency is approximately 179.3- fold the estimated maximal allele frequency expected for a pathogenic variant in MYL2 causing Hypertrophic Cardiomyopathy phenotype (7.5e-05), strongly suggesting that the variant is benign. c.274+16_274+17insCT has been reported in the literature in individuals affected with Hypertrophic Cardiomyopathy without strong evidence for causality (e.g. Gomez_2014). These report(s) do not provide unequivocal conclusions about association of the variant with Hypertrophic Cardiomyopathy. To our knowledge, no experimental evidence demonstrating an impact on protein function has been reported. One other clinical diagnostic laboratory has submitted clinical-significance assessments for this variant to ClinVar (evaluation after 2014) and cited the variant as benign. Based on the evidence outlined above, the variant was classified as benign.

Clinical Genetics DNA and cytogenetics Diagnostics Lab, Erasmus MC, Erasmus Medical Center
Classification: Benign for Hypertrophic cardiomyopathy 10. Last evaluated: 2015-09-21. Review status: criteria provided, single submitter. Criteria: ACGS Guidelines, 2013. Collection method: clinical testing. Allele origin: germline. Affected: yes. Study: VKGL Data-share Consensus.

GeneDx
Classification: Benign. Last evaluated: 2015-03-03. Review status: criteria provided, single submitter. Criteria: GeneDx Variant Classification Process June 2021. Collection method: clinical testing. Allele origin: germline. Affected: yes.

Clinical Genetics, Academic Medical Center
Classification: Benign. Review status: no assertion criteria provided. Collection method: clinical testing. Allele origin: germline. Affected: yes. Study: VKGL Data-share Consensus. Not counted in ClinVar's aggregate classification.

Diagnostic Laboratory, Department of Genetics, University Medical Center Groningen
Classification: Likely benign. Review status: no assertion criteria provided. Collection method: clinical testing. Allele origin: germline. Affected: yes. Study: VKGL Data-share Consensus. Not counted in ClinVar's aggregate classification.

Joint Genome Diagnostic Labs from Nijmegen and Maastricht, Radboudumc and MUMC+
Classification: Likely benign. Review status: no assertion criteria provided. Collection method: clinical testing. Allele origin: germline. Affected: yes. Study: VKGL Data-share Consensus. Not counted in ClinVar's aggregate classification.

GeneDx
Classification: Benign for Cardiomyopathy. Last evaluated: 2014-09-19. Review status: flagged submission. Criteria: GeneDx Variant Classification (06012015). Collection method: clinical testing. Allele origin: germline. Affected: yes. Not counted in ClinVar's aggregate classification.
Comment: The variant is found in HCM, CARDIOMYOPATHY panel(s).
ClinVar note: Reason: This record appears to be redundant with a more recent record from the same submitter.
ClinVar note: Notes: SCV000208838 appears to be redundant with SCV001885629.

Literature cited by the submitters: PubMed 25342278 (cited by Women's Health and Genetics/Laboratory Corporation of America, LabCorp); PubMed 29099038 (cited by Women's Health and Genetics/Laboratory Corporation of America, LabCorp).

NM_000432.4(MYL2):c.274+16_274+17insTC

Gene: MYL2 (myosin light chain 2; minus strand). Cytogenetic location: 12q24.11.
Variant type: Insertion.
Coding change: c.274+16_274+17insTC on transcript NM_000432.4 (MANE Select); bases 16 to 17 of the intron after coding-DNA position 274, TC inserted.
Molecular consequence: intron variant.
Genome position: GRCh38 VCF-style: chr12-110914169-C-CAG. GRCh37 (hg19) VCF-style: chr12-111351973-C-CAG.
Identifiers: ClinVar variation 181419 (VCV000181419.27), dbSNP rs200007468, ClinGen allele CA009979.